The following is an entry in ClinVar:

ClinVar aggregate classification (germline): Uncertain significance. Review status: criteria provided, multiple submitters, no conflicts (2 of 4 stars). 3 submissions from 3 submitters: Uncertain significance (3). Last evaluated 2025-10-04.

Conditions:
Inborn genetic diseases. Identifiers: MedGen C0950123, MeSH D030342.

Allele frequency attached by ClinVar (database versions not stated): TOPMed 0.00001; gnomAD 0.00002; gnomAD exomes 0.00002; ExAC 0.00003.
gnomAD v4.1: 25 of 1,576,432 alleles (0.0016%); highest among the groups gnomAD compares: Non-Finnish European, 0.0021%; no homozygotes.

Submissions (3):

Labcorp Genetics (formerly Invitae), Labcorp
Classification: Uncertain significance. Last evaluated: 2025-10-04. Review status: criteria provided, single submitter. Criteria: Invitae Variant Classification Sherloc (09022015). Collection method: clinical testing. Allele origin: germline.
Comment: This sequence change replaces glycine, which is neutral and non-polar, with cysteine, which is neutral and slightly polar, at codon 126 of the COL4A2 protein (p.Gly126Cys). This variant is present in population databases (rs774055891, gnomAD 0.005%). This variant has not been reported in the literature in individuals affected with COL4A2-related conditions. ClinVar contains an entry for this variant (Variation ID: 2989286). Invitae Evidence Modeling of protein sequence and biophysical properties (such as structural, functional, and spatial information, amino acid conservation, physicochemical variation, residue mobility, and thermodynamic stability) indicates that this missense variant is not expected to disrupt COL4A2 protein function with a negative predictive value of 95%. In summary, the available evidence is currently insufficient to determine the role of this variant in disease. Therefore, it has been classified as a Variant of Uncertain Significance.

Ambry Genetics
Classification: Uncertain significance for Inborn genetic diseases. Last evaluated: 2025-02-19. Review status: criteria provided, single submitter. Criteria: Ambry Variant Classification Scheme 2023. Collection method: clinical testing. Allele origin: germline.

Blueprint Genetics
Classification: Uncertain significance. Last evaluated: 2023-07-10. Review status: criteria provided, single submitter. Criteria: ACMG Guidelines, 2015. Collection method: clinical testing. Allele origin: germline.

NM_001846.4(COL4A2):c.376G>T (p.Gly126Cys)

Gene: COL4A2 (collagen type IV alpha 2 chain; plus strand). Cytogenetic location: 13q34.
Variant type: single nucleotide variant.
Coding change: c.376G>T on transcript NM_001846.4 (MANE Select); coding-DNA position 376, G replaced by T.
Protein change: p.Gly126Cys; replaces glycine 126 with cysteine.
Molecular consequence: missense variant.
Genome position (GRCh38, 1-based): chr13:110,428,482, G>T. VCF-style: chr13-110428482-G-T. GRCh37 (hg19) VCF-style: chr13-111080829-G-T.
Other names: c.376G>T (NM_001846.2); short protein forms G126C.
Identifiers: ClinVar variation 2989286 (VCV002989286.5), dbSNP rs774055891, ClinGen allele CA7048872.
Genomic context (GRCh38, chr13:110,428,482, plus strand): 5'-AGAAGCCTGCTGGTTGGCTGATTCTCTCACTGCTCTCTTTCCCAGGGACACCCGGGGCAA[G>T]GTGGGCCCAGGGGAAGGCCGGGCTACGATGGCTGCAACGGAACCCAGGGAGACTCAGGTC-3'
Protein context (NP_001837.2, residues 116-136): ADGIPGHPGQ[Gly126Cys]GPRGRPGYDG